The following is an entry in ClinVar:

ClinVar aggregate classification (germline): Benign. Review status: criteria provided, multiple submitters, no conflicts (2 of 4 stars). 3 submissions from 3 submitters: Benign (3). Last evaluated 2024-01-24.

Allele frequency attached by ClinVar (database versions not stated): 1000 Genomes Project 30x 0.12492; 1000 Genomes Project 0.12540; TOPMed 0.19181; gnomAD 0.20394 and 0.20666; gnomAD exomes 0.21242 and 0.25074; ExAC 0.21886.
gnomAD v4.1: 256,886 of 1,056,466 alleles (24%); highest among the groups gnomAD compares: Non-Finnish European, 28%; 34,324 homozygotes.

Submissions (3):

Unidad de Genómica Garrahan, Hospital de Pediatría Garrahan
Classification: Benign. Last evaluated: 2024-01-24. Review status: criteria provided, single submitter. Criteria: ACMG Guidelines, 2015. Collection method: clinical testing. Allele origin: germline. Affected: no. Observed: 25 variant alleles.
Comment: This variant is classified as Benign based on local population frequency. This variant was detected in 28% of patients studied by a panel of primary immunodeficiencies. Number of patients: 25. Only high quality variants are reported.

GeneDx
Classification: Benign. Last evaluated: 2018-07-25. Review status: criteria provided, single submitter. Criteria: GeneDx Variant Classification Process June 2021. Collection method: clinical testing. Allele origin: germline. Affected: yes.

Breakthrough Genomics
Classification: Benign. Review status: criteria provided, single submitter. Criteria: ACMG Guidelines, 2015. Collection method: not provided. Allele origin: germline. Inheritance: Autosomal recessive inheritance. Affected: yes.

NM_000215.4(JAK3):c.3207+75C>T

Gene: JAK3 (Janus kinase 3; minus strand). Cytogenetic location: 19p13.11.
Variant type: single nucleotide variant.
Coding change: c.3207+75C>T on transcript NM_000215.4 (MANE Select); 75 bases into the intron after coding-DNA position 3207, C replaced by T.
Molecular consequence: intron variant.
Genome position (GRCh38, 1-based): chr19:17,830,033, G>A on the plus strand (C>T on the coding strand, the complement: JAK3 is on the minus strand). VCF-style: chr19-17830033-G-A. GRCh37 (hg19) VCF-style: chr19-17940842-G-A.
Identifiers: ClinVar variation 1283176 (VCV001283176.4), dbSNP rs3212780, ClinGen allele CA9301394.